The following is an entry in ClinVar:

ClinVar aggregate classification (germline): Uncertain significance (1 of 4 stars; one submission).

Conditions:
Fanconi anemia (FA). Also called: Fanconi's anemia. Identifiers: Orphanet 84, MedGen C0015625, MeSH D005199, MONDO:0019391.

Allele frequency attached by ClinVar (database versions not stated): gnomAD 0.00002; TOPMed 0.00002; ExAC 0.00003; 1000 Genomes Project 30x 0.00016; 1000 Genomes Project 0.00020.
gnomAD v4.1: 14 of 1,613,592 alleles (0.00087%); highest among the groups gnomAD compares: East Asian, 0.0045%; no homozygotes.

Submission:

Labcorp Genetics (formerly Invitae), Labcorp
Classification: Uncertain significance for Fanconi anemia. Last evaluated: 2024-04-15. Review status: criteria provided, single submitter. Criteria: Invitae Variant Classification Sherloc (09022015). Collection method: clinical testing. Allele origin: germline.
Comment: This sequence change replaces arginine, which is basic and polar, with glutamine, which is neutral and polar, at codon 926 of the FANCD2 protein (p.Arg926Gln). This variant is present in population databases (rs532250395, gnomAD 0.02%). This variant has not been reported in the literature in individuals affected with FANCD2-related conditions. ClinVar contains an entry for this variant (Variation ID: 2193582). Advanced modeling of protein sequence and biophysical properties (such as structural, functional, and spatial information, amino acid conservation, physicochemical variation, residue mobility, and thermodynamic stability) performed at Invitae indicates that this missense variant is expected to disrupt FANCD2 protein function with a positive predictive value of 80%. In summary, the available evidence is currently insufficient to determine the role of this variant in disease. Therefore, it has been classified as a Variant of Uncertain Significance.

NM_001018115.3(FANCD2):c.2777G>A (p.Arg926Gln)

Genes: FANCD2 (FA complementation group D2; plus strand), LOC107303338 (3p25 FANCD2 Alu-mediated recombination region; plus strand). Cytogenetic location: 3p25.3.
Variant type: single nucleotide variant.
Coding change: c.2777G>A on transcript NM_001018115.3 (MANE Select); coding-DNA position 2777, G replaced by A.
Protein change: p.Arg926Gln; replaces arginine 926 with glutamine.
Molecular consequence: missense variant.
Genome position (GRCh38, 1-based): chr3:10,074,591, G>A. VCF-style: chr3-10074591-G-A. GRCh37 (hg19) VCF-style: chr3-10116275-G-A.
Other names: c.2777G>A, p.Arg926Gln (NM_001319984.2, NM_001374254.1, NM_033084.6); c.2666G>A, p.Arg889Gln (NM_001374253.1); short protein forms R889Q, R926Q.
Identifiers: ClinVar variation 2193582 (VCV002193582.4), dbSNP rs532250395, ClinGen allele CA2250186.